The following is an entry in ClinVar:

NM_000218.3(KCNQ1):c.1393+34283C>T

Genes: KCNQ1 (potassium voltage-gated channel subfamily Q member 1; plus strand), KCNQ1OT1 (KCNQ1 opposite strand/antisense transcript 1; minus strand). Cytogenetic location: 11p15.5.
Variant type: single nucleotide variant.
Coding change: c.1393+34283C>T on transcript NM_000218.3 (MANE Select); 34283 bases into the intron after coding-DNA position 1393, C replaced by T.
Molecular consequence: intron variant. On other transcripts: non-coding transcript variant (1).
Genome position (GRCh38, 1-based): chr11:2,623,137, C>T. VCF-style: chr11-2623137-C-T. GRCh37 (hg19) VCF-style: chr11-2644367-C-T.
Other names: c.1123+34283C>T (NM_001406837.1); c.1297+34283C>T (NM_001406836.1); c.853+34283C>T (NM_001406838.1); c.1012+34283C>T (NM_181798.2).
Identifiers: ClinVar variation 4084864 (VCV004084864.8).

ClinVar aggregate classification (germline): Benign (1 of 4 stars; one submission).

gnomAD v4.1: 581 of 398,572 alleles (0.15%); highest among the groups gnomAD compares: African/African-American, 1%; 3 homozygotes.

Submission:

CeGaT Center for Human Genetics Tuebingen
Classification: Benign. Last evaluated: 2026-06-01. Review status: criteria provided, single submitter. Criteria: CeGaT Center For Human Genetics Tuebingen Variant Classification Criteria Version 2. Collection method: clinical testing. Allele origin: germline. Affected: yes. Observed: 4 variant alleles.
Comment: KCNQ1OT1: BS1, BS2